The following is an entry in ClinVar:

NM_000059.4(BRCA2):c.4113G>T (p.Gln1371His)

Gene: BRCA2 (BRCA2 DNA repair associated; plus strand). Cytogenetic location: 13q13.1.
Variant type: single nucleotide variant.
Coding change: c.4113G>T on transcript NM_000059.4 (MANE Select); coding-DNA position 4113, G replaced by T.
Protein change: p.Gln1371His; replaces glutamine 1371 with histidine.
Molecular consequence: missense variant.
Genome position (GRCh38, 1-based): chr13:32,338,468, G>T. VCF-style: chr13-32338468-G-T. GRCh37 (hg19) VCF-style: chr13-32912605-G-T.
Other names: short protein forms Q1371H.
Identifiers: ClinVar variation 483070 (VCV000483070.16), dbSNP rs1555283563, ClinGen allele CA387779299.

ClinVar aggregate classification (germline): Conflicting classifications of pathogenicity. Review status: criteria provided, conflicting classifications (1 of 4 stars). 3 submissions from 3 submitters: Uncertain significance (2); Likely benign (1). Last evaluated 2024-08-31.

Conditions:
Hereditary cancer-predisposing syndrome. Also called: Neoplastic Syndromes, Hereditary; Tumor predisposition; Hereditary Cancer Syndrome; Hereditary neoplastic syndrome. Identifiers: Orphanet 140162, MedGen C0027672, MeSH D009386, MONDO:0015356.
Hereditary breast ovarian cancer syndrome. Also called: Hereditary breast and ovarian cancer syndrome; Hereditary breast and ovarian cancer; Hereditary breast and ovarian cancer syndrome (HBOC); Breast and ovarian cancer; Hereditary breast and/or ovarian cancer syndrome; BRCA1- and BRCA2-Associated Hereditary Breast and Ovarian Cancer. Identifiers: Orphanet 145, MedGen C0677776, MeSH D061325, MONDO:0003582. Disease mechanism: loss of function.

Allele frequency attached by ClinVar (database versions not stated): gnomAD exomes 0.00001.
gnomAD v4.1: 7 of 1,610,856 alleles (0.00043%); highest among the groups gnomAD compares: Non-Finnish European, 0.00059%; no homozygotes.

Submissions (3):

Labcorp Genetics (formerly Invitae), Labcorp
Classification: Uncertain significance for Hereditary breast ovarian cancer syndrome. Last evaluated: 2024-08-31. Review status: criteria provided, single submitter. Criteria: Invitae Variant Classification Sherloc (09022015). Collection method: clinical testing. Allele origin: germline.
Comment: This sequence change replaces glutamine, which is neutral and polar, with histidine, which is basic and polar, at codon 1371 of the BRCA2 protein (p.Gln1371His). This variant is not present in population databases (gnomAD no frequency). This variant has not been reported in the literature in individuals affected with BRCA2-related conditions. ClinVar contains an entry for this variant (Variation ID: 483070). Invitae Evidence Modeling of protein sequence and biophysical properties (such as structural, functional, and spatial information, amino acid conservation, physicochemical variation, residue mobility, and thermodynamic stability) indicates that this missense variant is not expected to disrupt BRCA2 protein function with a negative predictive value of 95%. In summary, the available evidence is currently insufficient to determine the role of this variant in disease. Therefore, it has been classified as a Variant of Uncertain Significance.

Ambry Genetics
Classification: Uncertain significance for Hereditary cancer-predisposing syndrome. Last evaluated: 2024-06-17. Review status: criteria provided, single submitter. Criteria: Ambry Variant Classification Scheme 2023. Collection method: clinical testing. Allele origin: germline.
Comment: The p.Q1371H variant (also known as c.4113G>T), located in coding exon 10 of the BRCA2 gene, results from a G to T substitution at nucleotide position 4113. The glutamine at codon 1371 is replaced by histidine, an amino acid with highly similar properties. This amino acid position is not well conserved in available vertebrate species. In addition, this alteration is predicted to be tolerated by in silico analysis. Since supporting evidence is limited at this time, the clinical significance of this alteration remains unclear.

University of Washington Department of Laboratory Medicine, University of Washington
Classification: Likely benign for Hereditary cancer-predisposing syndrome. Last evaluated: 2023-03-23. Review status: criteria provided, single submitter. Criteria: Dines et al. (Genet Med. 2020). Collection method: curation. Allele origin: germline.
Comment: Missense variant in a coldspot region where missense variants are very unlikely to be pathogenic (PMID:31911673).

BRCA2 exon 11 coldspot. Reclassification based on statistical prior probability.